The following is an entry in ClinVar:

ClinVar aggregate classification (germline): Uncertain significance. Review status: criteria provided, multiple submitters, no conflicts (2 of 4 stars). 3 submissions from 3 submitters: Uncertain significance (3). Last evaluated 2025-09-18.

Conditions:
Harderoporphyria (HARPO). Identifiers: Orphanet 659672, MedGen C0342859, MONDO:0030048, OMIM 618892.
Hereditary coproporphyria (HCP). Also called: Hereditary coproporphyria porphyria; Porphyria hepatica coproporphyria; Porphyria hepatica II; CPRO deficiency; COPROPORPHYRINOGEN OXIDASE DEFICIENCY; CPO DEFICIENCY. Identifiers: Orphanet 79273, MedGen C0162531, MONDO:0007369, OMIM 121300.

Allele frequency attached by ClinVar (database versions not stated): gnomAD exomes 0.00002; gnomAD 0.00006 and 0.00007; TOPMed 0.00007.
gnomAD v4.1: 119 of 1,493,780 alleles (0.008%); highest among the groups gnomAD compares: Non-Finnish European, 0.01%; no homozygotes.

Submissions (3):

Labcorp Genetics (formerly Invitae), Labcorp
Classification: Uncertain significance. Last evaluated: 2025-09-18. Review status: criteria provided, single submitter. Criteria: Invitae Variant Classification Sherloc (09022015). Collection method: clinical testing. Allele origin: germline.
Comment: This sequence change replaces valine, which is neutral and non-polar, with glycine, which is neutral and non-polar, at codon 16 of the CPOX protein (p.Val16Gly). This variant is present in population databases (no rsID available, gnomAD 0.006%). This missense change has been observed in individual(s) with clinical features of CPOX-related condition (PMID: 30385147). ClinVar contains an entry for this variant (Variation ID: 1064042). An algorithm developed to predict the effect of missense changes on protein structure and function (PolyPhen-2) suggests that this variant is likely to be tolerated. In summary, the available evidence is currently insufficient to determine the role of this variant in disease. Therefore, it has been classified as a Variant of Uncertain Significance.

Fulgent Genetics
Classification: Uncertain significance for Hereditary coproporphyria; Harderoporphyria. Last evaluated: 2022-03-09. Review status: criteria provided, single submitter. Criteria: ACMG Guidelines, 2015. Collection method: clinical testing. Allele origin: unknown.

Breakthrough Genomics
Classification: Uncertain significance. Review status: criteria provided, single submitter. Criteria: ACMG Guidelines, 2015. Collection method: not provided. Allele origin: germline. Inheritance: Autosomal recessive inheritance. Affected: yes.

Literature cited by the submitters: PubMed 30385147 (cited by Labcorp Genetics (formerly Invitae), Labcorp).

NM_000097.7(CPOX):c.47T>G (p.Val16Gly)

Genes: CPOX (coproporphyrinogen oxidase; minus strand), LOC129937121 (ATAC-STARR-seq lymphoblastoid silent region 14560; plus strand). Cytogenetic location: 3q11.2.
Variant type: single nucleotide variant.
Coding change: c.47T>G on transcript NM_000097.7 (MANE Select); coding-DNA position 47, T replaced by G.
Protein change: p.Val16Gly; replaces valine 16 with glycine.
Molecular consequence: missense variant.
Genome position (GRCh38, 1-based): chr3:98,593,458, A>C on the plus strand (T>G on the coding strand, the complement: CPOX is on the minus strand). VCF-style: chr3-98593458-A-C. GRCh37 (hg19) VCF-style: chr3-98312302-A-C.
Other names: short protein forms V16G.
Identifiers: ClinVar variation 1064042 (VCV001064042.7), dbSNP rs941183666, ClinGen allele CA80083881.